The following is an entry in ClinVar:

NM_006915.3(RP2):c.260C>T (p.Thr87Ile)

Gene: RP2 (RP2 activator of ARL3 GTPase; plus strand). Cytogenetic location: Xp11.3.
Variant type: single nucleotide variant.
Coding change: c.260C>T on transcript NM_006915.3 (MANE Select); coding-DNA position 260, C replaced by T.
Protein change: p.Thr87Ile; replaces threonine 87 with isoleucine.
Molecular consequence: missense variant.
Genome position (GRCh38, 1-based): chrX:46,853,633, C>T. VCF-style: chrX-46853633-C-T. GRCh37 (hg19) VCF-style: chrX-46713068-C-T.
Other names: short protein forms T87I.
Identifiers: ClinVar variation 195270 (VCV000195270.25), dbSNP rs147783915, ClinGen allele CA201653.

ClinVar aggregate classification (germline): Benign/Likely benign. Review status: criteria provided, multiple submitters, no conflicts (2 of 4 stars). 9 submissions from 9 submitters: Benign (4); Likely benign (3). 2 of the submissions do not count toward it. Last evaluated 2026-01-26.

Conditions:
Retinitis pigmentosa (RP). Identifiers: Orphanet 791, MedGen C0035334, MeSH D012174, MONDO:0019200, OMIM 268000. Inheritance: Autosomal dominant, autosomal recessive and X linked inheritance.
Retinitis pigmentosa 3. Also called: CHOROIDORETINAL DEGENERATION WITH RETINAL REFLEX IN HETEROZYGOUS WOMEN. Identifiers: OMIM 300029, Orphanet 791, MedGen C1845667, MONDO:0010227.

Allele frequency attached by ClinVar (database versions not stated): gnomAD exomes 0.00043 and 0.00144; ExAC 0.00178; 1000 Genomes Project 30x 0.00333; 1000 Genomes Project 0.00344; gnomAD 0.00459 and 0.00496; TOPMed 0.00522; ESP Exome Variant Server 0.00719.
gnomAD v4.1: 1,011 of 1,209,817 alleles (0.084%); highest among the groups gnomAD compares: African/African-American, 1.5%; 4 homozygotes.

Submissions (9):

Labcorp Genetics (formerly Invitae), Labcorp
Classification: Benign. Last evaluated: 2026-01-26. Review status: criteria provided, single submitter. Criteria: Invitae Variant Classification Sherloc (09022015). Collection method: clinical testing. Allele origin: germline.

Blueprint Genetics
Classification: Likely benign. Last evaluated: 2024-11-06. Review status: criteria provided, single submitter. Criteria: ACMG Guidelines, 2015. Collection method: clinical testing. Allele origin: germline.

Women's Health and Genetics/Laboratory Corporation of America, LabCorp
Classification: Benign. Last evaluated: 2022-02-25. Review status: criteria provided, single submitter. Criteria: LabCorp Variant Classification Summary - May 2015. Collection method: clinical testing. Allele origin: germline.
Comment: Variant summary: RP2 c.260C>T (p.Thr87Ile) results in a non-conservative amino acid change located in the CARP motif (IPR006599) of the encoded protein sequence. Four of five in-silico tools predict a benign effect of the variant on protein function. The variant allele was found at a frequency of 0.0045 in 111665 control chromosomes, predominantly at a frequency of 0.016 within the African or African-American subpopulation in the gnomAD database, including 2 homozygotes. The observed variant frequency within African or African-American control individuals in the gnomAD database is approximately 7 fold of the estimated maximal expected allele frequency for a pathogenic variant in RP2 causing Retinitis Pigmentosa, X-Linked phenotype (0.0022), strongly suggesting that the variant is a benign polymorphism found primarily in populations of African or African-American origin. To our knowledge, no experimental evidence demonstrating its impact on protein function have been reported. Four ClinVar submitters (evaluation after 2014) cite the variant as benign (n=3) and likely benign (n=1). Based on the evidence outlined above, the variant was classified as benign.

Mendelics
Classification: Benign for Retinitis pigmentosa 3. Last evaluated: 2019-05-28. Review status: criteria provided, single submitter. Criteria: Mendelics Assertion Criteria 2017. Collection method: clinical testing. Allele origin: unknown.

Illumina Laboratory Services, Illumina
Classification: Likely benign for Retinitis pigmentosa. Last evaluated: 2017-04-27. Review status: criteria provided, single submitter. Criteria: ICSL Variant Classification Criteria 13 December 2019. Collection method: clinical testing. Allele origin: germline.
Comment: This variant was observed as part of a predisposition screen in an ostensibly healthy population. A literature search was performed for the gene, cDNA change, and amino acid change (where applicable). Publications were found based on this search. The evidence from the literature, in combination with allele frequency data from public databases where available, was sufficient to determine this variant is unlikely to cause disease. Therefore, this variant is classified as likely benign.

Eurofins Ntd Llc (ga)
Classification: Benign. Last evaluated: 2015-06-04. Review status: criteria provided, single submitter. Criteria: EGL Classification Definitions 2015. Collection method: clinical testing. Allele origin: germline. Observed: 1 variant allele, 1 heterozygote.

Breakthrough Genomics
Classification: Likely benign. Review status: criteria provided, single submitter. Criteria: ACMG Guidelines, 2015. Collection method: not provided. Allele origin: germline. Inheritance: X-linked inheritance. Affected: yes.

Clinical Genetics DNA and cytogenetics Diagnostics Lab, Erasmus MC, Erasmus Medical Center
Classification: Benign. Review status: no assertion criteria provided. Collection method: clinical testing. Allele origin: germline. Affected: yes. Study: VKGL Data-share Consensus. Not counted in ClinVar's aggregate classification.

Laboratory of Diagnostic Genome Analysis, Leiden University Medical Center (LUMC)
Classification: Likely benign. Review status: no assertion criteria provided. Collection method: clinical testing. Allele origin: germline. Affected: yes. Study: VKGL Data-share Consensus. Not counted in ClinVar's aggregate classification.

Literature cited by the submitters: PubMed 20625056 (cited by Illumina Laboratory Services, Illumina); PubMed 23150612 (cited by Illumina Laboratory Services, Illumina).